The following is an entry in ClinVar:

NM_001244008.2(KIF1A):c.4665+3G>A

Gene: KIF1A (kinesin family member 1A; minus strand). Cytogenetic location: 2q37.3.
Variant type: single nucleotide variant.
Coding change: c.4665+3G>A on transcript NM_001244008.2 (MANE Select); 3 bases into the intron after coding-DNA position 4665, G replaced by A.
Molecular consequence: intron variant.
Genome position (GRCh38, 1-based): chr2:240,722,453, C>T on the plus strand (G>A on the coding strand, the complement: KIF1A is on the minus strand). VCF-style: chr2-240722453-C-T. GRCh37 (hg19) VCF-style: chr2-241661870-C-T.
Other names: c.4362+3G>A (NM_001379653.1, NM_001379650.1, NM_001379641.1 and 2 more transcripts); c.4638+3G>A (NM_001379645.1, NM_001379633.1); c.4488+3G>A (NM_001379635.1, NM_001379646.1); c.4359+3G>A (NM_001379640.1); c.4386+3G>A (NM_001379639.1); c.4389+3G>A (NM_001379649.1, NM_001320705.2); c.4476+3G>A (NM_001379636.1); c.4641+3G>A (NM_001379632.1); and 7 more.
Identifiers: ClinVar variation 2929254 (VCV002929254.3), dbSNP rs1326849761, ClinGen allele CA766939775.

ClinVar aggregate classification (germline): Uncertain significance (1 of 4 stars; one submission).

Conditions:
Neuropathy, hereditary sensory, type 2C. Also called: Hereditary sensory and autonomic neuropathy type IIC; KIF1A-Related HSAN2 (HSAN2C). Identifiers: Orphanet 970, MedGen C3280168, MONDO:0013634, OMIM 614213.
Hereditary spastic paraplegia 30. Identifiers: Orphanet 101010, MedGen C5235139, MONDO:0012476.
Intellectual disability, autosomal dominant 9 (NESCAVS). Also called: NESCAV SYNDROME; KIF1A-Related Neurodevelopmental Disorder. Identifiers: Orphanet 662367, MedGen C5393830, MONDO:0013656, OMIM 614255.

Allele frequency attached by ClinVar (database versions not stated): TOPMed below 0.00001.
gnomAD v4.1: 5 of 1,545,986 alleles (0.00032%); highest among the groups gnomAD compares: South Asian, 0.0048%; no homozygotes.

Submission:

Labcorp Genetics (formerly Invitae), Labcorp
Classification: Uncertain significance for Hereditary spastic paraplegia 30; Neuropathy, hereditary sensory, type 2C; Intellectual disability, autosomal dominant 9. Last evaluated: 2025-11-25. Review status: criteria provided, single submitter. Criteria: Invitae Variant Classification Sherloc (09022015). Collection method: clinical testing. Allele origin: germline.
Comment: This sequence change falls in intron 40 of the KIF1A gene. It does not directly change the encoded amino acid sequence of the KIF1A protein. It affects a nucleotide within the consensus splice site. This variant is not present in population databases (gnomAD no frequency). This variant has not been reported in the literature in individuals affected with KIF1A-related conditions. ClinVar contains an entry for this variant (Variation ID: 2929254). Variants that disrupt the consensus splice site are a relatively common cause of aberrant splicing (PMID: 17576681, 9536098). Algorithms developed to predict the effect of sequence changes on RNA splicing suggest that this variant is not likely to affect RNA splicing. In summary, the available evidence is currently insufficient to determine the role of this variant in disease. Therefore, it has been classified as a Variant of Uncertain Significance.

Literature cited by the submitters: PubMed 17576681; PubMed 9536098.